The following is an entry in ClinVar:

ClinVar aggregate classification (germline): Uncertain significance (1 of 4 stars; one submission).

Submission:

Labcorp Genetics (formerly Invitae), Labcorp
Classification: Uncertain significance. Last evaluated: 2024-03-30. Review status: criteria provided, single submitter. Criteria: Invitae Variant Classification Sherloc (09022015). Collection method: clinical testing. Allele origin: germline.
Comment: This sequence change replaces aspartic acid, which is acidic and polar, with asparagine, which is neutral and polar, at codon 422 of the C8B protein (p.Asp422Asn). Information on the frequency of this variant in the gnomAD database is not available, as this variant may be reported differently in the database. This variant has not been reported in the literature in individuals affected with C8B-related conditions. Experimental studies and prediction algorithms are not available or were not evaluated, and the functional significance of this variant is currently unknown. In summary, the available evidence is currently insufficient to determine the role of this variant in disease. Therefore, it has been classified as a Variant of Uncertain Significance.

NM_000066.4(C8B):c.1263_1264delinsAA (p.Asp422Asn)

Gene: C8B (complement C8 beta chain; minus strand). Cytogenetic location: 1p32.2.
Variant type: Indel.
Coding change: c.1263_1264delinsAA on transcript NM_000066.4 (MANE Select); coding-DNA positions 1263 to 1264, GG replaced by AA.
Protein change: p.Asp422Asn; replaces aspartic acid 422 with asparagine.
Molecular consequence: missense variant.
Genome position (GRCh38, 1-based): chr1:56,940,983-56,940,984, CC replaced by TT on the plus strand (GG replaced by AA on the coding strand, the reverse complement: C8B is on the minus strand). VCF-style: chr1-56940983-CC-TT. GRCh37 (hg19) VCF-style: chr1-57406656-CC-TT.
Other names: c.1107_1108delinsAA, p.Asp370Asn (NM_001278543.2); c.1077_1078delinsAA, p.Asp360Asn (NM_001278544.2); short protein forms D360N, D422N, D370N.
Identifiers: ClinVar variation 3648229 (VCV003648229.2).